The following is an entry in ClinVar:

NM_004187.5(KDM5C):c.4399G>C (p.Gly1467Arg)

Gene: KDM5C (lysine demethylase 5C; minus strand). Cytogenetic location: Xp11.22.
Variant type: single nucleotide variant.
Coding change: c.4399G>C on transcript NM_004187.5 (MANE Select); coding-DNA position 4399, G replaced by C.
Protein change: p.Gly1467Arg; replaces glycine 1467 with arginine.
Molecular consequence: missense variant. On other transcripts: intron variant (5).
Genome position (GRCh38, 1-based): chrX:53,193,251, C>G on the plus strand (G>C on the coding strand, the complement: KDM5C is on the minus strand). VCF-style: chrX-53193251-C-G. GRCh37 (hg19) VCF-style: chrX-53222433-C-G.
Other names: c.4396G>C, p.Gly1466Arg (NM_001282622.3); c.4390G>C, p.Gly1464Arg (NM_001353978.3); c.4305+186G>C (NM_001353982.2); c.4314+186G>C (NM_001353979.2); c.4308+186G>C (NM_001353981.2, NM_001353984.2); c.4046+247G>C (NM_001146702.2); short protein forms G1466R, G1464R, G1467R.
Identifiers: ClinVar variation 1740266 (VCV001740266.3), dbSNP rs1934556950, ClinGen allele CA413104773.
Genomic context (GRCh38, chrX:53,193,251, plus strand): 5'-GCCCTGAGCTCCGTACCCTCTTTGGCTCTAGCTCCTCTCGGGCTGGGTCATCGCCCTCCC[C>G]ACCCCGATCCACCTTCCGCCGCCGCCGCCTCTCCAGGGCCCGGCCCCGAGCCCGACTCCC-3'
Protein context (NP_004178.2, residues 1457-1477): RRRRRKVDRG[Gly1467Arg]EGDDPAREEL

ClinVar aggregate classification (germline): Uncertain significance. Review status: criteria provided, multiple submitters, no conflicts (2 of 4 stars). 2 submissions from 2 submitters: Uncertain significance (2). Last evaluated 2022-11-30.

Conditions:
Inborn genetic diseases. Identifiers: MedGen C0950123, MeSH D030342.

gnomAD v4.1: 6 of 1,209,264 alleles (0.0005%); highest among the groups gnomAD compares: Non-Finnish European, 0.00067%; no homozygotes.

Submissions (2):

Blueprint Genetics
Classification: Uncertain significance. Last evaluated: 2022-11-30. Review status: criteria provided, single submitter. Criteria: ACMG Guidelines, 2015. Collection method: clinical testing. Allele origin: germline.

Ambry Genetics
Classification: Uncertain significance for Inborn genetic diseases. Last evaluated: 2018-03-20. Review status: criteria provided, single submitter. Criteria: Ambry Variant Classification Scheme 2023. Collection method: clinical testing. Allele origin: germline.
Comment: The p.G1467R variant (also known as c.4399G>C), located in coding exon 26 of the KDM5C gene, results from a G to C substitution at nucleotide position 4399. The glycine at codon 1467 is replaced by arginine, an amino acid with dissimilar properties. This amino acid position is highly conserved in available vertebrate species. In addition, this alteration is predicted to be tolerated by in silico analysis. Since supporting evidence is limited at this time, the clinical significance of this alteration remains unclear.